The following is an entry in ClinVar:

ClinVar aggregate classification (germline): Pathogenic (1 of 4 stars; one submission).

Conditions:
Familial dysautonomia. Also called: HSAN III; FD. Identifiers: Orphanet 1764, MedGen C0013364, MONDO:0009131, OMIM 223900. Disease mechanism: loss of function.

Submission:

Myriad Genetics, Inc.
Classification: Pathogenic for Familial dysautonomia. Last evaluated: 2025-03-21. Review status: criteria provided, single submitter. Criteria: Myriad Autosomal Dominant, Autosomal Recessive and X-Linked Classification Criteria (2023). Collection method: clinical testing. Allele origin: unknown.
Comment: NM_003640.3(ELP1):c.1137_1141del5(S380Gfs*3) is expected to be pathogenic in the context of familial dysautonomia. This variant is predicted to lead to an abnormal or absent protein product due to the creation of a premature termination codon in ELP1, a gene where loss-of-function variants are known to be pathogenic. Please note: this variant was assessed in the context of healthy population screening.

NM_003640.5(ELP1):c.1137_1141del (p.Ser380fs)

Gene: ELP1 (elongator acetyltransferase complex subunit 1; minus strand). Cytogenetic location: 9q31.3.
Variant type: Deletion.
Coding change: c.1137_1141del on transcript NM_003640.5 (MANE Select); coding-DNA positions 1137 to 1141, 5 bases deleted (GAGCG; older notation c.1137_1141delGAGCG).
Protein change: p.Ser380fs; shifts the reading frame from serine 380.
Molecular consequence: frameshift variant.
Genome position (GRCh38, 1-based): chr9:108,912,312-108,912,316, CGCTC deleted on the plus strand (GAGCG on the coding strand, the reverse complement: ELP1 is on the minus strand); deleting any 5 consecutive bases within chr9:108,912,312-108,912,318 gives the same sequence; the c. name uses the placement nearest the transcript's 3' end. VCF-style (leftmost placement, unchanged base first): chr9-108912311-ACGCTC-A. GRCh37 (hg19) VCF-style: chr9-111674591-ACGCTC-A.
Other names: c.795_799del, p.Ser266fs (NM_001318360.2); c.90_94del, p.Ser31fs (NM_001330749.2); short protein forms S266fs, S31fs, S380fs.
Identifiers: ClinVar variation 5014239 (VCV005014239.1).
Genomic context (GRCh38, chr9:108,912,311, plus strand): 5'-CCCAGGAGCTTACTTCCATCAATGACAGCCACATTGGACAAGTCACTTGAATTATCTCCC[ACGCTC>A]CGGTCAGTCGTCCAGTGCCAATCATAGGCGAGGTAATGCCAGCCCTGACAGAGAACATGC-3'